The following is an entry in ClinVar:

NM_020987.5(ANK3):c.5059G>A (p.Asp1687Asn)

Gene: ANK3 (ankyrin 3; minus strand). Cytogenetic location: 10q21.2.
Variant type: single nucleotide variant.
Coding change: c.5059G>A on transcript NM_020987.5 (MANE Select); coding-DNA position 5059, G replaced by A.
Protein change: p.Asp1687Asn; replaces aspartic acid 1687 with asparagine.
Molecular consequence: missense variant. On other transcripts: intron variant (4).
Genome position (GRCh38, 1-based): chr10:60,075,822, C>T on the plus strand (G>A on the coding strand, the complement: ANK3 is on the minus strand). VCF-style: chr10-60075822-C-T. GRCh37 (hg19) VCF-style: chr10-61835580-C-T.
Other names: c.4387+4715G>A (NM_001204403.2); c.4408+4715G>A (NM_001204404.2); c.4405+4715G>A (NM_001320874.2); c.1807+4715G>A (NM_001149.4); short protein forms D1687N.
Identifiers: ClinVar variation 2112980 (VCV002112980.4), dbSNP rs775984737, ClinGen allele CA377016322.
Genomic context (GRCh38, chr10:60,075,822, plus strand): 5'-TCTGCTTCACAGGTGATGAGAGAGAAGATGCCATTGTAATTTTGGCTGATGAAATGACAT[C>T]AACTGCTGATTTAACTGGAGACACCACTGACTTTAAAGGTGAAGATATTAGCGGTGCTGC-3'
Protein context (NP_066267.2, residues 1677-1697): SVVSPVKSAV[Asp1687Asn]VISSAKITMA

ClinVar aggregate classification (germline): Uncertain significance (1 of 4 stars; one submission).

Allele frequency attached by ClinVar (database versions not stated): gnomAD 0.00001.
gnomAD v4.1: 4 of 1,614,016 alleles (0.00025%); highest among the groups gnomAD compares: Admixed American, 0.0017%; no homozygotes.

Submission:

Labcorp Genetics (formerly Invitae), Labcorp
Classification: Uncertain significance. Last evaluated: 2024-01-08. Review status: criteria provided, single submitter. Criteria: Invitae Variant Classification Sherloc (09022015). Collection method: clinical testing. Allele origin: germline.
Comment: This sequence change replaces aspartic acid, which is acidic and polar, with asparagine, which is neutral and polar, at codon 1687 of the ANK3 protein (p.Asp1687Asn). This variant is present in population databases (no rsID available, gnomAD 0.003%). This variant has not been reported in the literature in individuals affected with ANK3-related conditions. ClinVar contains an entry for this variant (Variation ID: 2112980). Advanced modeling of protein sequence and biophysical properties (such as structural, functional, and spatial information, amino acid conservation, physicochemical variation, residue mobility, and thermodynamic stability) performed at Invitae indicates that this missense variant is not expected to disrupt ANK3 protein function with a negative predictive value of 80%. In summary, the available evidence is currently insufficient to determine the role of this variant in disease. Therefore, it has been classified as a Variant of Uncertain Significance.